The following is an entry in ClinVar:

NM_004385.5(VCAN):c.1342G>C (p.Gly448Arg)

Gene: VCAN (versican; plus strand). Cytogenetic location: 5q14.3.
Variant type: single nucleotide variant.
Coding change: c.1342G>C on transcript NM_004385.5 (MANE Select); coding-DNA position 1342, G replaced by C.
Protein change: p.Gly448Arg; replaces glycine 448 with arginine.
Molecular consequence: missense variant. On other transcripts: intron variant (2).
Genome position (GRCh38, 1-based): chr5:83,519,648, G>C. VCF-style: chr5-83519648-G-C. GRCh37 (hg19) VCF-style: chr5-82815467-G-C.
Other names: c.1342G>C, p.Gly448Arg (NM_001164098.2); c.1042+7252G>C (NM_001164097.2, NM_001126336.3); short protein forms G448R.
Identifiers: ClinVar variation 3251823 (VCV003251823.1), dbSNP rs758440241.

ClinVar aggregate classification (germline): Uncertain significance (1 of 4 stars; one submission).

gnomAD v4.1: 1 of 1,614,112 alleles (0.000062%); highest among the groups gnomAD compares: South Asian, 0.0011%; no homozygotes.

Submission:

Women's Health and Genetics/Laboratory Corporation of America, LabCorp
Classification: Uncertain significance. Last evaluated: 2024-04-22. Review status: criteria provided, single submitter. Criteria: LabCorp Variant Classification Summary - May 2015. Collection method: clinical testing. Allele origin: germline.
Comment: Variant summary: VCAN c.1342G>C (p.Gly448Arg) results in a non-conservative amino acid change in the encoded protein sequence. Four of five in-silico tools predict a benign effect of the variant on protein function. The variant allele was found at a frequency of 4e-06 in 251060 control chromosomes. The available data on variant occurrences in the general population are insufficient to allow any conclusion about variant significance. To our knowledge, no occurrence of c.1342G>C in individuals affected with Wagner Syndrome and no experimental evidence demonstrating its impact on protein function have been reported. No submitters have cited clinical-significance assessments for this variant to ClinVar. Based on the evidence outlined above, the variant was classified as uncertain significance.